The following is an entry in ClinVar:

NM_001112741.2(KCNC1):c.1511A>G (p.Lys504Arg)

Gene: KCNC1 (potassium voltage-gated channel subfamily C member 1; plus strand). Cytogenetic location: 11p15.1.
Variant type: single nucleotide variant.
Coding change: c.1511A>G on transcript NM_001112741.2 (MANE Select); coding-DNA position 1511, A replaced by G.
Protein change: p.Lys504Arg; replaces lysine 504 with arginine.
Molecular consequence: missense variant.
Genome position (GRCh38, 1-based): chr11:17,779,462, A>G. VCF-style: chr11-17779462-A-G. GRCh37 (hg19) VCF-style: chr11-17801009-A-G.
Other names: short protein forms K504R.
Identifiers: ClinVar variation 3602797 (VCV003602797.1).

ClinVar aggregate classification (germline): Uncertain significance (1 of 4 stars; one submission).

gnomAD v4.1: 2 of 1,544,668 alleles (0.00013%); highest among the groups gnomAD compares: Non-Finnish European, 0.000087%; no homozygotes.

Submission:

GeneDx
Classification: Uncertain significance. Last evaluated: 2024-08-09. Review status: criteria provided, single submitter. Criteria: GeneDx Variant Classification Process June 2021. Collection method: clinical testing. Allele origin: germline. Affected: yes.
Comment: Not observed at significant frequency in large population cohorts (gnomAD); In silico analysis indicates that this missense variant does not alter protein structure/function; Has not been previously published as pathogenic or benign to our knowledge